The following is an entry in ClinVar:

ClinVar aggregate classification (germline): Likely benign (0 of 4 stars; one submission).

Conditions:
CNGA1-related disorder. Also called: CNGA1-related condition.

Submission:

PreventionGenetics, part of Exact Sciences
Classification: Likely benign for CNGA1-related condition. Last evaluated: 2019-07-18. Review status: no assertion criteria provided. Collection method: clinical testing. Allele origin: germline.
Comment: This variant is classified as likely benign based on ACMG/AMP sequence variant interpretation guidelines (Richards et al. 2015 PMID: 25741868, with internal and published modifications).

NM_001379270.1(CNGA1):c.-15+10288_-15+10290del

Genes: CNGA1 (cyclic nucleotide gated channel subunit alpha 1; minus strand), LOC101927157 (uncharacterized LOC101927157; plus strand). Cytogenetic location: 4p12.
Variant type: Deletion.
Coding change: c.-15+10288_-15+10290del on transcript NM_001379270.1 (MANE Select); bases 10288 to 10290 of the intron after 15 bases upstream of the start codon, 3 bases deleted (TTT; older notation c.-15+10288_-15+10290delTTT).
Molecular consequence: intron variant.
Genome position (GRCh38, 1-based): chr4:47,971,103-47,971,105, AAA deleted on the plus strand (TTT on the coding strand, the reverse complement: CNGA1 is on the minus strand); deleting any 3 consecutive bases within chr4:47,971,103-47,971,114 gives the same sequence; the c. name uses the placement nearest the transcript's 3' end. VCF-style (leftmost placement, unchanged base first): chr4-47971102-TAAA-T. GRCh37 (hg19) VCF-style: chr4-47973119-TAAA-T.
Other names: c.-15+10288_-15+10290del (NM_000087.5); c.-219-5_-219-3del (NM_001142564.2).
Identifiers: ClinVar variation 3034348 (VCV003034348.2), dbSNP rs750445523, ClinGen allele CA1061978514.